The following is an entry in ClinVar:

ClinVar aggregate classification (germline): Uncertain significance. Review status: criteria provided, multiple submitters, no conflicts (2 of 4 stars). 4 submissions from 4 submitters: Uncertain significance (4). Last evaluated 2025-08-27.

Conditions:
Hereditary cancer-predisposing syndrome. Also called: Neoplastic Syndromes, Hereditary; Tumor predisposition; Hereditary Cancer Syndrome; Hereditary neoplastic syndrome. Identifiers: Orphanet 140162, MedGen C0027672, MeSH D009386, MONDO:0015356.
Familial adenomatous polyposis 2. Also called: Adenomas, multiple colorectal; MUTYH Polyposis; COLORECTAL ADENOMATOUS POLYPOSIS, AUTOSOMAL RECESSIVE; ADENOMAS, MULTIPLE COLORECTAL, AUTOSOMAL RECESSIVE; MUTYH-associated polyposis; MUTYH-related attenuated familial adenomatous polyposis. Identifiers: Orphanet 220460, Orphanet 247798, MedGen C3272841, MONDO:0012041, OMIM 608456.

Submissions (4):

Ambry Genetics
Classification: Uncertain significance for Hereditary cancer-predisposing syndrome. Last evaluated: 2025-08-27. Review status: criteria provided, single submitter. Criteria: Ambry Variant Classification Scheme 2023. Collection method: clinical testing. Allele origin: germline.
Comment: The p.Q351E variant (also known as c.1051C>G), located in coding exon 12 of the MUTYH gene, results from a C to G substitution at nucleotide position 1051. The glutamine at codon 351 is replaced by glutamic acid, an amino acid with highly similar properties. This amino acid position is conserved. In addition, this alteration is predicted to be tolerated by in silico analysis. Based on the available evidence, the clinical significance of this variant remains unclear.

GeneDx
Classification: Uncertain significance. Last evaluated: 2025-08-06. Review status: criteria provided, single submitter. Criteria: GeneDx Variant Classification Process June 2021. Collection method: clinical testing. Allele origin: germline. Affected: yes.
Comment: Not observed at significant frequency in large population cohorts (gnomAD); In silico analysis suggests that this missense variant does not alter protein structure/function; Has not been previously published as pathogenic or benign to our knowledge

Labcorp Genetics (formerly Invitae), Labcorp
Classification: Uncertain significance for Familial adenomatous polyposis 2. Last evaluated: 2024-07-24. Review status: criteria provided, single submitter. Criteria: Invitae Variant Classification Sherloc (09022015). Collection method: clinical testing. Allele origin: germline.
Comment: This sequence change replaces glutamine, which is neutral and polar, with glutamic acid, which is acidic and polar, at codon 351 of the MUTYH protein (p.Gln351Glu). This variant is not present in population databases (gnomAD no frequency). This variant has not been reported in the literature in individuals affected with MUTYH-related conditions. ClinVar contains an entry for this variant (Variation ID: 918237). An algorithm developed to predict the effect of missense changes on protein structure and function (PolyPhen-2) suggests that this variant is likely to be tolerated. In summary, the available evidence is currently insufficient to determine the role of this variant in disease. Therefore, it has been classified as a Variant of Uncertain Significance.

Color Diagnostics, LLC DBA Color Health
Classification: Uncertain significance for Hereditary cancer-predisposing syndrome. Last evaluated: 2023-12-04. Review status: criteria provided, single submitter. Criteria: ACMG Guidelines, 2015. Collection method: clinical testing. Allele origin: germline.
Comment: This missense variant replaces glutamine with glutamic acid at codon 351 of the MUTYH protein. Computational prediction suggests that this variant may not impact protein structure and function (internally defined REVEL score threshold <= 0.5, PMID: 27666373). To our knowledge, functional studies have not been reported for this variant. This variant has not been reported in individuals affected with MUTYH-related disorders in the literature. This variant has not been identified in the general population by the Genome Aggregation Database (gnomAD). The available evidence is insufficient to determine the role of this variant in disease conclusively. Therefore, this variant is classified as a Variant of Uncertain Significance.

NM_001048174.2(MUTYH):c.967C>G (p.Gln323Glu)

Gene: MUTYH (mutY DNA glycosylase; minus strand). Cytogenetic location: 1p34.1.
Variant type: single nucleotide variant.
Coding change: c.967C>G on transcript NM_001048174.2 (MANE Select); coding-DNA position 967, C replaced by G.
Protein change: p.Gln323Glu; replaces glutamine 323 with glutamic acid.
Molecular consequence: missense variant. On other transcripts: non-coding transcript variant (2).
Genome position (GRCh38, 1-based): chr1:45,331,796, G>C on the plus strand (C>G on the coding strand, the complement: MUTYH is on the minus strand). VCF-style: chr1-45331796-G-C. GRCh37 (hg19) VCF-style: chr1-45797468-G-C.
Other names: c.967C>G, p.Gln323Glu (NM_001048171.2, NM_001048173.2, NM_001293195.2); c.970C>G, p.Gln324Glu (NM_001048172.2); c.1051C>G, p.Gln351Glu (NM_001128425.2); c.1012C>G, p.Gln338Glu (NM_001293190.2); c.1000C>G, p.Gln334Glu (NM_001293191.2); c.691C>G, p.Gln231Glu (NM_001293192.2, NM_001293196.2); c.622C>G, p.Gln208Glu (NM_001350650.2, NM_001350651.2); c.1042C>G, p.Gln348Glu (NM_012222.3); short protein forms Q338E, Q231E, Q323E, Q351E, Q208E, Q334E, Q324E, Q348E.
Identifiers: ClinVar variation 918237 (VCV000918237.8), dbSNP rs1644922836, ClinGen allele CA340133751.